The following is an entry in ClinVar:

NM_182760.4(SUMF1):c.14dup (p.Leu6fs)

Gene: SUMF1 (sulfatase modifying factor 1; minus strand). Cytogenetic location: 3p26.1.
Variant type: Duplication.
Coding change: c.14dup on transcript NM_182760.4 (MANE Select); coding-DNA position 14, one base duplicated (C; older notation c.14dupC).
Protein change: p.Leu6fs; shifts the reading frame from leucine 6.
Molecular consequence: frameshift variant.
Genome position (GRCh38, 1-based): chr3:4,467,232, G duplicated on the plus strand (C on the coding strand, the reverse complement: SUMF1 is on the minus strand). VCF-style (leftmost placement, unchanged base first): chr3-4467231-T-TG. GRCh37 (hg19) VCF-style: chr3-4508915-T-TG.
Other names: c.14dup, p.Leu6fs (NM_001164674.2, NM_001164675.2); short protein forms L6fs.
Identifiers: ClinVar variation 2771434 (VCV002771434.3), dbSNP rs2470082256, ClinGen allele CA2697550639.

ClinVar aggregate classification (germline): Pathogenic (1 of 4 stars; one submission).

Conditions:
Multiple sulfatase deficiency (MSD). Also called: Mucosulfatidosis; Multiple Sulfatase Deficiency Disease; Sulfatidosis, Juvenile, Austin Type. Identifiers: Orphanet 585, MedGen C0268263, MONDO:0010088, OMIM 272200.

Submission:

Labcorp Genetics (formerly Invitae), Labcorp
Classification: Pathogenic for Multiple sulfatase deficiency. Last evaluated: 2023-12-19. Review status: criteria provided, single submitter. Criteria: Invitae Variant Classification Sherloc (09022015). Collection method: clinical testing. Allele origin: germline.
Comment: This sequence change creates a premature translational stop signal (p.Leu6Thrfs*10) in the SUMF1 gene. It is expected to result in an absent or disrupted protein product. Loss-of-function variants in SUMF1 are known to be pathogenic (PMID: 12757705, 12757706, 25885655). This variant is not present in population databases (gnomAD no frequency). This variant has not been reported in the literature in individuals affected with SUMF1-related conditions. For these reasons, this variant has been classified as Pathogenic.

Literature cited by the submitters: PubMed 12757705; PubMed 12757706; PubMed 25885655.